The following is an entry in ClinVar:

NM_001243133.2(NLRP3):c.2301C>G (p.Gly767=)

Gene: NLRP3 (NLR family pyrin domain containing 3; plus strand). Cytogenetic location: 1q44.
Variant type: single nucleotide variant.
Coding change: c.2301C>G on transcript NM_001243133.2 (MANE Select); coding-DNA position 2301, C replaced by G.
Protein change: p.Gly767=; no amino-acid change (glycine 767 retained).
Molecular consequence: synonymous variant. On other transcripts: intron variant (2).
Genome position (GRCh38, 1-based): chr1:247,429,735, C>G. VCF-style: chr1-247429735-C-G. GRCh37 (hg19) VCF-style: chr1-247593037-C-G.
Other names: c.2301C>G, p.Gly767= (NM_001079821.3, NM_001127461.3); c.2307C>G, p.Gly769= (NM_004895.5); c.2150+4136C>G (NM_001127462.3, NM_183395.3).
Identifiers: ClinVar variation 296951 (VCV000296951.18), dbSNP rs150229101, ClinGen allele CA1495170.

ClinVar aggregate classification (germline): Benign/Likely benign. Review status: criteria provided, multiple submitters, no conflicts (2 of 4 stars). 6 submissions from 4 submitters: Benign (1); Likely benign (5). Last evaluated 2025-08-19.

Conditions:
Chronic infantile neurological, cutaneous and articular syndrome (CINCA). Also called: CHRONIC NEUROLOGIC CUTANEOUS AND ARTICULAR SYNDROME; CRYOPYRIN-ASSOCIATED PERIODIC SYNDROME 3; CINCA syndrome; Prieur Griscelli syndrome. Identifiers: Orphanet 1451, MedGen C0409818, MONDO:0011776, OMIM 607115.
Keratitis fugax hereditaria. Also called: KERATOENDOTHELIITIS FUGAX HEREDITARIA. Identifiers: Orphanet 647815, MedGen C1835697, MONDO:0007849, OMIM 148200.
Familial cold autoinflammatory syndrome 1 (FCAS1). Also called: CRYOPYRIN-ASSOCIATED PERIODIC SYNDROME 1; Familial cold inflammatory syndrome 1. Identifiers: Orphanet 47045, MedGen C4551895, MONDO:0007349, OMIM 120100.
Familial amyloid nephropathy with urticaria AND deafness (MWS). Also called: Urticaria, deafness and amyloidosis; CRYOPYRIN-ASSOCIATED PERIODIC SYNDROME 2; UDA SYNDROME; URTICARIA-DEAFNESS-AMYLOIDOSIS SYNDROME; MUCKLE-WELLS SYNDROME. Identifiers: Orphanet 575, MedGen C0268390, MONDO:0008633, OMIM 191900.
Hearing loss, autosomal dominant 34, with or without inflammation. Also called: DEAFNESS, AUTOSOMAL DOMINANT 34, WITH OR WITHOUT INFLAMMATION. Identifiers: MedGen C4521680, MONDO:0033261, OMIM 617772.
Cryopyrin associated periodic syndrome (CAPS). Identifiers: Orphanet 208650, MedGen C2316212, MONDO:0016168.

Allele frequency attached by ClinVar (database versions not stated): gnomAD 0.00057.
gnomAD v4.1: 204 of 1,613,804 alleles (0.013%); highest among the groups gnomAD compares: Non-Finnish European, 0.0014%; no homozygotes.

Submissions (6):

Labcorp Genetics (formerly Invitae), Labcorp
Classification: Benign for Cryopyrin associated periodic syndrome. Last evaluated: 2025-08-19. Review status: criteria provided, single submitter. Criteria: Invitae Variant Classification Sherloc (09022015). Collection method: clinical testing. Allele origin: germline.

Blueprint Genetics
Classification: Likely benign. Last evaluated: 2024-01-30. Review status: criteria provided, single submitter. Criteria: ACMG Guidelines, 2015. Collection method: clinical testing. Allele origin: germline.

Fulgent Genetics
Classification: Likely benign for Familial cold autoinflammatory syndrome 1; Keratitis fugax hereditaria; Familial amyloid nephropathy with urticaria AND deafness; Chronic infantile neurological, cutaneous and articular syndrome; Hearing loss, autosomal dominant 34, with or without inflammation. Last evaluated: 2022-03-23. Review status: criteria provided, single submitter. Criteria: ACMG Guidelines, 2015. Collection method: clinical testing. Allele origin: unknown.

Illumina Laboratory Services, Illumina
Classification: Likely benign for Familial cold autoinflammatory syndrome 1. Last evaluated: 2018-01-12. Review status: criteria provided, single submitter. Criteria: ICSL Variant Classification Criteria 13 December 2019. Collection method: clinical testing. Allele origin: germline.
Comment: This variant was observed in the ICSL laboratory as part of a predisposition screen in an ostensibly healthy population. It had not been previously curated by ICSL or reported in the Human Gene Mutation Database (HGMD: prior to June 1st, 2018), and was therefore a candidate for classification through an automated scoring system. Utilizing variant allele frequency, disease prevalence and penetrance estimates, and inheritance mode, an automated score was calculated to assess if this variant is too frequent to cause the disease. Based on the score and internal cut-off values, a variant classified as likely benign is not then subjected to further curation. The score for this variant resulted in a classification of likely benign for this disease.

Illumina Laboratory Services, Illumina
Classification: Likely benign for Chronic infantile neurological, cutaneous and articular syndrome. Last evaluated: 2018-01-12. Review status: criteria provided, single submitter. Criteria: ICSL Variant Classification Criteria 13 December 2019. Collection method: clinical testing. Allele origin: germline.
Comment: the same text as in the submission from Illumina Laboratory Services, Illumina above.

Illumina Laboratory Services, Illumina
Classification: Likely benign for Familial amyloid nephropathy with urticaria AND deafness. Last evaluated: 2018-01-12. Review status: criteria provided, single submitter. Criteria: ICSL Variant Classification Criteria 13 December 2019. Collection method: clinical testing. Allele origin: germline.
Comment: the same text as in the submission from Illumina Laboratory Services, Illumina above.